The following is an entry in ClinVar:

ClinVar aggregate classification (germline): Pathogenic (1 of 4 stars; one submission).

Conditions:
Dilated cardiomyopathy 1DD (CMD1DD). Identifiers: Orphanet 154, MedGen C2750995, MONDO:0013168, OMIM 613172.

Submission:

Labcorp Genetics (formerly Invitae), Labcorp
Classification: Pathogenic for Dilated cardiomyopathy 1DD. Last evaluated: 2025-10-23. Review status: criteria provided, single submitter. Criteria: Invitae Variant Classification Sherloc (09022015). Collection method: clinical testing. Allele origin: germline.
Comment: This sequence change creates a premature translational stop signal (p.Leu349Serfs*52) in the RBM20 gene. It is expected to result in an absent or disrupted protein product. Loss-of-function variants in RBM20 are known to be pathogenic (PMID: 20590677, 22004663, 38288598, 38510713, 40339755). This variant is not present in population databases (gnomAD no frequency). This variant has not been reported in the literature in individuals affected with RBM20-related conditions. For these reasons, this variant has been classified as Pathogenic.

Literature cited by the submitters: PubMed 20590677; PubMed 22004663; PubMed 38288598; PubMed 38510713; PubMed 40339755.

NM_001134363.3(RBM20):c.1043_1044dup (p.Leu349fs)

Gene: RBM20 (RNA binding motif protein 20; plus strand). Cytogenetic location: 10q25.2.
Variant type: Duplication.
Coding change: c.1043_1044dup on transcript NM_001134363.3 (MANE Select); coding-DNA positions 1043 to 1044, 2 bases duplicated (AG; older notation c.1043_1044dupAG).
Protein change: p.Leu349fs; shifts the reading frame from leucine 349.
Molecular consequence: frameshift variant.
Genome position (GRCh38, 1-based): chr10:110,781,652-110,781,653, AG duplicated; duplicating any 2 consecutive bases within chr10:110,781,651-110,781,653 gives the same sequence; the c. name uses the placement nearest the transcript's 3' end. VCF-style (leftmost placement, unchanged base first): chr10-110781650-T-TGA. GRCh37 (hg19) VCF-style: chr10-112541408-T-TGA.
Other names: short protein forms L349fs.
Identifiers: ClinVar variation 4704161 (VCV004704161.1).